The following is an entry in ClinVar:

ClinVar aggregate classification (germline): Uncertain significance (1 of 4 stars; one submission).

Conditions:
Charcot-Marie-Tooth disease type 2. Also called: Charcot-Marie-Tooth type 2. Identifiers: Orphanet 64746, MedGen C0270914, MONDO:0018993.

gnomAD v4.1: 1 of 1,613,976 alleles (0.000062%); no homozygotes.

Submission:

Labcorp Genetics (formerly Invitae), Labcorp
Classification: Uncertain significance for Charcot-Marie-Tooth disease type 2. Last evaluated: 2023-04-28. Review status: criteria provided, single submitter. Criteria: Invitae Variant Classification Sherloc (09022015). Collection method: clinical testing. Allele origin: germline.
Comment: This variant is not present in population databases (gnomAD no frequency). In summary, the available evidence is currently insufficient to determine the role of this variant in disease. Therefore, it has been classified as a Variant of Uncertain Significance. Advanced modeling of protein sequence and biophysical properties (such as structural, functional, and spatial information, amino acid conservation, physicochemical variation, residue mobility, and thermodynamic stability) performed at Invitae indicates that this missense variant is not expected to disrupt AARS protein function. This variant has not been reported in the literature in individuals affected with AARS-related conditions. This sequence change replaces arginine, which is basic and polar, with threonine, which is neutral and polar, at codon 445 of the AARS protein (p.Arg445Thr).

NM_001605.3(AARS1):c.1334G>C (p.Arg445Thr)

Gene: AARS1 (alanyl-tRNA synthetase 1; minus strand). Cytogenetic location: 16q22.1.
Variant type: single nucleotide variant.
Coding change: c.1334G>C on transcript NM_001605.3 (MANE Select); coding-DNA position 1334, G replaced by C.
Protein change: p.Arg445Thr; replaces arginine 445 with threonine.
Molecular consequence: missense variant.
Genome position (GRCh38, 1-based): chr16:70,265,551, C>G on the plus strand (G>C on the coding strand, the complement: AARS1 is on the minus strand). VCF-style: chr16-70265551-C-G. GRCh37 (hg19) VCF-style: chr16-70299454-C-G.
Other names: short protein forms R445T.
Identifiers: ClinVar variation 2860144 (VCV002860144.3), dbSNP rs776515117, ClinGen allele CA396561798.